The following is an entry in ClinVar:

NM_020247.5(COQ8A):c.178G>A (p.Gly60Ser)

Gene: COQ8A (coenzyme Q8A; plus strand). Cytogenetic location: 1q42.13.
Variant type: single nucleotide variant.
Coding change: c.178G>A on transcript NM_020247.5 (MANE Select); coding-DNA position 178, G replaced by A.
Protein change: p.Gly60Ser; replaces glycine 60 with serine.
Molecular consequence: missense variant.
Genome position (GRCh38, 1-based): chr1:226,965,000, G>A. VCF-style: chr1-226965000-G-A. GRCh37 (hg19) VCF-style: chr1-227152701-G-A.
Other names: short protein forms G60S.
Identifiers: ClinVar variation 1475635 (VCV001475635.8), dbSNP rs369252071, ClinGen allele CA1424958.
Genomic context (GRCh38, chr1:226,965,000, plus strand): 5'-GGCAGGGAGGAGCTCCTGGCTCGCTCTTGCTCTCCTAATGCTGGCCTTTGCTCCCTGCAG[G>A]GTCAGGATAAACATGAAGAATATTTTGCTGAGAACTTCGGCGGCCCAGAAGGGGAGTTCC-3'
Protein context (NP_064632.2, residues 50-70): QIGMFLGKVQ[Gly60Ser]QDKHEEYFAE

ClinVar aggregate classification (germline): Uncertain significance (1 of 4 stars; one submission).

Allele frequency attached by ClinVar (database versions not stated): ESP Exome Variant Server 0.00008.
gnomAD v4.1: 1 of 1,613,910 alleles (0.000062%); highest among the groups gnomAD compares: African/African-American, 0.0013%; no homozygotes.

Submission:

Labcorp Genetics (formerly Invitae), Labcorp
Classification: Uncertain significance. Last evaluated: 2023-12-18. Review status: criteria provided, single submitter. Criteria: Invitae Variant Classification Sherloc (09022015). Collection method: clinical testing. Allele origin: germline.
Comment: This sequence change replaces glycine, which is neutral and non-polar, with serine, which is neutral and polar, at codon 60 of the COQ8A protein (p.Gly60Ser). This variant is present in population databases (rs369252071, gnomAD 0.007%). This variant has not been reported in the literature in individuals affected with COQ8A-related conditions. ClinVar contains an entry for this variant (Variation ID: 1475635). An algorithm developed to predict the effect of missense changes on protein structure and function (PolyPhen-2) suggests that this variant is likely to be tolerated. In summary, the available evidence is currently insufficient to determine the role of this variant in disease. Therefore, it has been classified as a Variant of Uncertain Significance.